The following is an entry in ClinVar:

NM_007194.4(CHEK2):c.436A>G (p.Ile146Val)

Gene: CHEK2 (checkpoint kinase 2; minus strand). Cytogenetic location: 22q12.1.
Variant type: single nucleotide variant.
Coding change: c.436A>G on transcript NM_007194.4 (MANE Select); coding-DNA position 436, A replaced by G.
Protein change: p.Ile146Val; replaces isoleucine 146 with valine.
Molecular consequence: missense variant.
Genome position (GRCh38, 1-based): chr22:28,725,251, T>C on the plus strand (A>G on the coding strand, the complement: CHEK2 is on the minus strand). VCF-style: chr22-28725251-T-C. GRCh37 (hg19) VCF-style: chr22-29121239-T-C.
Other names: c.436A>G, p.Ile146Val (NM_001349956.3, NM_145862.3); c.565A>G, p.Ile189Val (NM_001005735.3); c.-342A>G (NM_001257387.3); short protein forms I146V, I189V.
Identifiers: ClinVar variation 946163 (VCV000946163.8), dbSNP rs781678896, ClinGen allele CA411107892.
Genomic context (GRCh38, chr22:28,725,251, plus strand): 5'-AACAATGACCAAATTACCAGCTCTCCTAGATACATGGGTATTCATTACCTACCCTGAAAA[T>C]CCGAAAGTGTTTCTTGCTGTATGTTCGGTATTTATCTGTTCTTTTCAGCAGTGGTTCATC-3'
Protein context (NP_009125.1, residues 136-156): YRTYSKKHFR[Ile146Val]FREVGPKNSY

ClinVar aggregate classification (germline): Uncertain significance. Review status: criteria provided, multiple submitters, no conflicts (2 of 4 stars). 2 submissions from 2 submitters: Uncertain significance (2). Last evaluated 2024-05-10.

Conditions:
Hereditary cancer-predisposing syndrome. Also called: Neoplastic Syndromes, Hereditary; Hereditary Cancer Syndrome; Tumor predisposition; Hereditary neoplastic syndrome. Identifiers: Orphanet 140162, MedGen C0027672, MeSH D009386, MONDO:0015356.
Familial cancer of breast. Also called: hereditary breast carcinoma; BREAST CANCER, FAMILIAL; Hereditary breast cancer. Identifiers: Orphanet 227535, MedGen C0346153, MONDO:0016419, OMIM 114480. Disease mechanism: loss of function.

Submissions (2):

Ambry Genetics
Classification: Uncertain significance for Hereditary cancer-predisposing syndrome. Last evaluated: 2024-05-10. Review status: criteria provided, single submitter. Criteria: Ambry Variant Classification Scheme 2023. Collection method: clinical testing. Allele origin: germline.
Comment: The p.I146V variant (also known as c.436A>G), located in coding exon 2 of the CHEK2 gene, results from an A to G substitution at nucleotide position 436. The isoleucine at codon 146 is replaced by valine, an amino acid with highly similar properties. This amino acid position is highly conserved in available vertebrate species. In addition, the in silico prediction for this alteration is inconclusive. Based on the available evidence, the clinical significance of this variant remains unclear.

Labcorp Genetics (formerly Invitae), Labcorp
Classification: Uncertain significance for Familial cancer of breast. Last evaluated: 2022-04-05. Review status: criteria provided, single submitter. Criteria: Invitae Variant Classification Sherloc (09022015). Collection method: clinical testing. Allele origin: germline.
Comment: This sequence change replaces isoleucine, which is neutral and non-polar, with valine, which is neutral and non-polar, at codon 146 of the CHEK2 protein (p.Ile146Val). This variant is not present in population databases (gnomAD no frequency). This variant has not been reported in the literature in individuals affected with CHEK2-related conditions. ClinVar contains an entry for this variant (Variation ID: 946163). Algorithms developed to predict the effect of missense changes on protein structure and function are either unavailable or do not agree on the potential impact of this missense change (SIFT: "Deleterious"; PolyPhen-2: "Benign"; Align-GVGD: "Class C25"). In summary, the available evidence is currently insufficient to determine the role of this variant in disease. Therefore, it has been classified as a Variant of Uncertain Significance.